The following is an entry in ClinVar:

ClinVar aggregate classification (germline): Uncertain significance (1 of 4 stars; one submission).

Allele frequency attached by ClinVar (database versions not stated): gnomAD exomes 0.00001.
gnomAD v4.1: 9 of 1,614,192 alleles (0.00056%); highest among the groups gnomAD compares: Non-Finnish European, 0.000085%; no homozygotes.

Submission:

Labcorp Genetics (formerly Invitae), Labcorp
Classification: Uncertain significance. Last evaluated: 2022-05-06. Review status: criteria provided, single submitter. Criteria: Invitae Variant Classification Sherloc (09022015). Collection method: clinical testing. Allele origin: germline.
Comment: In summary, the available evidence is currently insufficient to determine the role of this variant in disease. Therefore, it has been classified as a Variant of Uncertain Significance. Algorithms developed to predict the effect of missense changes on protein structure and function are either unavailable or do not agree on the potential impact of this missense change (SIFT: "Not Available"; PolyPhen-2: "Probably Damaging"; Align-GVGD: "Not Available"). This variant has not been reported in the literature in individuals affected with HYOU1-related conditions. This variant is present in population databases (rs782804402, gnomAD 0.04%). This sequence change replaces serine, which is neutral and polar, with cysteine, which is neutral and slightly polar, at codon 513 of the HYOU1 protein (p.Ser513Cys).

NM_006389.5(HYOU1):c.1538C>G (p.Ser513Cys)

Gene: HYOU1 (hypoxia up-regulated 1; minus strand). Cytogenetic location: 11q23.3.
Variant type: single nucleotide variant.
Coding change: c.1538C>G on transcript NM_006389.5 (MANE Select); coding-DNA position 1538, C replaced by G.
Protein change: p.Ser513Cys; replaces serine 513 with cysteine.
Molecular consequence: missense variant.
Genome position (GRCh38, 1-based): chr11:119,051,162, G>C on the plus strand (C>G on the coding strand, the complement: HYOU1 is on the minus strand). VCF-style: chr11-119051162-G-C. GRCh37 (hg19) VCF-style: chr11-118921874-G-C.
Other names: c.1538C>G, p.Ser513Cys (NM_001130991.3, NM_001411041.1); short protein forms S513C.
Identifiers: ClinVar variation 1925734 (VCV001925734.5), dbSNP rs782804402, ClinGen allele CA229621481.